The following is an entry in ClinVar:

NM_005733.3(KIF20A):c.1991C>T (p.Ala664Val)

Gene: KIF20A (kinesin family member 20A; plus strand). Cytogenetic location: 5q31.2.
Variant type: single nucleotide variant.
Coding change: c.1991C>T on transcript NM_005733.3 (MANE Select); coding-DNA position 1991, C replaced by T.
Protein change: p.Ala664Val; replaces alanine 664 with valine.
Molecular consequence: missense variant.
Genome position (GRCh38, 1-based): chr5:138,185,576, C>T. VCF-style: chr5-138185576-C-T. GRCh37 (hg19) VCF-style: chr5-137521265-C-T.
Other names: short protein forms A664V.
Identifiers: ClinVar variation 1470970 (VCV001470970.8), dbSNP rs202002672, ClinGen allele CA128186878.

ClinVar aggregate classification (germline): Uncertain significance (1 of 4 stars; one submission).

Allele frequency attached by ClinVar (database versions not stated): gnomAD 0.00001; gnomAD exomes 0.00002 and 0.00008; TOPMed 0.00002.
gnomAD v4.1: 108 of 1,613,994 alleles (0.0067%); highest among the groups gnomAD compares: Non-Finnish European, 0.0092%; no homozygotes.

Submission:

Labcorp Genetics (formerly Invitae), Labcorp
Classification: Uncertain significance. Last evaluated: 2024-04-15. Review status: criteria provided, single submitter. Criteria: Invitae Variant Classification Sherloc (09022015). Collection method: clinical testing. Allele origin: germline.
Comment: This sequence change replaces alanine, which is neutral and non-polar, with valine, which is neutral and non-polar, at codon 664 of the KIF20A protein (p.Ala664Val). This variant is present in population databases (rs202002672, gnomAD 0.004%). This variant has not been reported in the literature in individuals affected with KIF20A-related conditions. ClinVar contains an entry for this variant (Variation ID: 1470970). An algorithm developed to predict the effect of missense changes on protein structure and function (PolyPhen-2) suggests that this variant is likely to be tolerated. In summary, the available evidence is currently insufficient to determine the role of this variant in disease. Therefore, it has been classified as a Variant of Uncertain Significance.